The following is an entry in ClinVar:

ClinVar aggregate classification (germline): Likely benign (1 of 4 stars; one submission).

Conditions:
Congenital generalized lipodystrophy type 1 (CGL1). Also called: BRUNZELL SYNDROME, AGPAT2-RELATED; Berardinelli-Seip Congenital Lipodystrophy Type 1. Identifiers: Orphanet 528, Orphanet 696189, MedGen C1720862, MONDO:0012071, OMIM 608594.

Allele frequency attached by ClinVar (database versions not stated): 1000 Genomes Project 30x 0.00234; 1000 Genomes Project 0.00240; gnomAD 0.00275 and 0.00293; TOPMed 0.00311.

Submission:

Illumina Laboratory Services, Illumina
Classification: Likely benign for Congenital generalized lipodystrophy type 1. Last evaluated: 2018-01-12. Review status: criteria provided, single submitter. Criteria: ICSL Variant Classification Criteria 13 December 2019. Collection method: clinical testing. Allele origin: germline.
Comment: This variant was observed in the ICSL laboratory as part of a predisposition screen in an ostensibly healthy population. It had not been previously curated by ICSL or reported in the Human Gene Mutation Database (HGMD: prior to June 1st, 2018), and was therefore a candidate for classification through an automated scoring system. Utilizing variant allele frequency, disease prevalence and penetrance estimates, and inheritance mode, an automated score was calculated to assess if this variant is too frequent to cause the disease. Based on the score and internal cut-off values, a variant classified as likely benign is not then subjected to further curation. The score for this variant resulted in a classification of likely benign for this disease.

NM_006412.4(AGPAT2):c.*510C>T

Gene: AGPAT2 (1-acylglycerol-3-phosphate O-acyltransferase 2; minus strand). Cytogenetic location: 9q34.3.
Variant type: single nucleotide variant.
Coding change: c.*510C>T on transcript NM_006412.4 (MANE Select); 510 bases downstream of the stop codon, C replaced by T.
Molecular consequence: 3 prime UTR variant.
Genome position (GRCh38, 1-based): chr9:136,673,242, G>A on the plus strand (C>T on the coding strand, the complement: AGPAT2 is on the minus strand). VCF-style: chr9-136673242-G-A. GRCh37 (hg19) VCF-style: chr9-139567694-G-A.
Other names: c.*510C>T (NM_001012727.2).
Identifiers: ClinVar variation 913041 (VCV000913041.4), dbSNP rs149296700, ClinGen allele CA201622900.
Genomic context (GRCh38, chr9:136,673,242, plus strand): 5'-AGTACAGTGCTGACCCCACAGAGTCTTCCAGGCCAGCAGGAGCAGCAGGCCCCGATTCCC[G>A]GCTCCCTGTGGCCCAGGGTGCGTGAGTCTGGGACTCCTGGCCCTCCAGGCCCCTCCTCTC-3'